The following is an entry in ClinVar:

ClinVar aggregate classification (germline): Uncertain significance (1 of 4 stars; one submission).

Conditions:
BIRC6-related disorder. Also called: BIRC6-related condition.

Submission:

PreventionGenetics, part of Exact Sciences
Classification: Uncertain significance for BIRC6-related condition. Last evaluated: 2023-09-11. Review status: criteria provided, single submitter. Criteria: ACMG Guidelines, 2015. Collection method: clinical testing. Allele origin: germline.
Comment: The BIRC6 c.10280C>T variant is predicted to result in the amino acid substitution p.Ser3427Phe. To our knowledge, this variant has not been reported in the literature or in a large population database, indicating this variant is rare. At this time, the clinical significance of this variant is uncertain due to the absence of conclusive functional and genetic evidence.

NM_016252.4(BIRC6):c.10280C>T (p.Ser3427Phe)

Gene: BIRC6 (baculoviral IAP repeat containing 6; plus strand). Cytogenetic location: 2p22.3.
Variant type: single nucleotide variant.
Coding change: c.10280C>T on transcript NM_016252.4 (MANE Select); coding-DNA position 10280, C replaced by T.
Protein change: p.Ser3427Phe; replaces serine 3427 with phenylalanine.
Molecular consequence: missense variant.
Genome position (GRCh38, 1-based): chr2:32,510,568, C>T. VCF-style: chr2-32510568-C-T. GRCh37 (hg19) VCF-style: chr2-32735635-C-T.
Other names: c.10277C>T, p.Ser3426Phe (NM_001378125.1); short protein forms S3426F, S3427F.
Identifiers: ClinVar variation 2631827 (VCV002631827.1), dbSNP rs2473622442, ClinGen allele CA346533967.